The following is an entry in ClinVar:

ClinVar aggregate classification (germline): Uncertain significance (1 of 4 stars; one submission).

Allele frequency attached by ClinVar (database versions not stated): gnomAD 0.00001; TOPMed 0.00001; gnomAD exomes 0.00002 and 0.00004; ExAC 0.00003.

Submission:

Labcorp Genetics (formerly Invitae), Labcorp
Classification: Uncertain significance. Last evaluated: 2022-07-25. Review status: criteria provided, single submitter. Criteria: Invitae Variant Classification Sherloc (09022015). Collection method: clinical testing. Allele origin: germline.
Comment: In summary, the available evidence is currently insufficient to determine the role of this variant in disease. Therefore, it has been classified as a Variant of Uncertain Significance. Algorithms developed to predict the effect of missense changes on protein structure and function are either unavailable or do not agree on the potential impact of this missense change (SIFT: "Tolerated"; PolyPhen-2: "Probably Damaging"; Align-GVGD: "Class C0"). ClinVar contains an entry for this variant (Variation ID: 1372400). This variant has not been reported in the literature in individuals affected with PRPF4-related conditions. This variant is present in population databases (rs752938178, gnomAD 0.01%). This sequence change replaces arginine, which is basic and polar, with glutamine, which is neutral and polar, at codon 390 of the PRPF4 protein (p.Arg390Gln).

NM_001244926.2(PRPF4):c.1166G>A (p.Arg389Gln)

Gene: PRPF4 (pre-mRNA splicing tri-snRNP complex factor PRPF4; plus strand). Cytogenetic location: 9q32.
Variant type: single nucleotide variant.
Coding change: c.1166G>A on transcript NM_001244926.2 (MANE Select); coding-DNA position 1166, G replaced by A.
Protein change: p.Arg389Gln; replaces arginine 389 with glutamine.
Molecular consequence: missense variant. On other transcripts: non-coding transcript variant (2).
Genome position (GRCh38, 1-based): chr9:113,290,720, G>A. VCF-style: chr9-113290720-G-A. GRCh37 (hg19) VCF-style: chr9-116053000-G-A.
Other names: c.440G>A, p.Arg147Gln (NM_001322266.2, NM_001322267.2); c.1169G>A, p.Arg390Gln (NM_004697.5); short protein forms R389Q, R390Q, R147Q.
Identifiers: ClinVar variation 1372400 (VCV001372400.6), dbSNP rs752938178, ClinGen allele CA5195112.